The following is an entry in ClinVar:

ClinVar aggregate classification (germline): Uncertain significance (1 of 4 stars; one submission).

Conditions:
Ehlers-Danlos syndrome, classic type, 1 (EDSCL1). Also called: Ehlers-Danlos Syndrome, Classic Type, COL5A1-Related; EDS I; EHLERS-DANLOS SYNDROME, GRAVIS TYPE; EHLERS-DANLOS SYNDROME, SEVERE CLASSIC TYPE; Ehlers-Danlos syndrome, type 1. Identifiers: MedGen C0268335, MONDO:0019567, OMIM 130000.

Submission:

Labcorp Genetics (formerly Invitae), Labcorp
Classification: Uncertain significance for Ehlers-Danlos syndrome, classic type, 1. Last evaluated: 2026-01-21. Review status: criteria provided, single submitter. Criteria: Invitae Variant Classification Sherloc (09022015). Collection method: clinical testing. Allele origin: germline.
Comment: This sequence change replaces glycine, which is neutral and non-polar, with arginine, which is basic and polar, at codon 1333 of the COL5A2 protein (p.Gly1333Arg). This variant is not present in population databases (gnomAD no frequency). This variant has not been reported in the literature in individuals affected with COL5A2-related conditions. Invitae Evidence Modeling of protein sequence and biophysical properties (such as structural, functional, and spatial information, amino acid conservation, physicochemical variation, residue mobility, and thermodynamic stability) indicates that this missense variant is not expected to disrupt COL5A2 protein function with a negative predictive value of 80%. In summary, the available evidence is currently insufficient to determine the role of this variant in disease. Therefore, it has been classified as a Variant of Uncertain Significance.

NM_000393.5(COL5A2):c.3997G>A (p.Gly1333Arg)

Gene: COL5A2 (collagen type V alpha 2 chain; minus strand). Cytogenetic location: 2q32.2.
Variant type: single nucleotide variant.
Coding change: c.3997G>A on transcript NM_000393.5 (MANE Select); coding-DNA position 3997, G replaced by A.
Protein change: p.Gly1333Arg; replaces glycine 1333 with arginine.
Molecular consequence: missense variant.
Genome position (GRCh38, 1-based): chr2:189,036,732, C>T on the plus strand (G>A on the coding strand, the complement: COL5A2 is on the minus strand). VCF-style: chr2-189036732-C-T. GRCh37 (hg19) VCF-style: chr2-189901458-C-T.
Other names: short protein forms G1333R.
Identifiers: ClinVar variation 4809302 (VCV004809302.1).
Genomic context (GRCh38, chr2:189,036,732, plus strand): 5'-TACTGGCCCACCAGGTTTTACGTGGTACACTGGATGGGTTTGCTGAAATACATGTTTCTC[C>T]TGTTTCCATGTTGCAGTAAACTTTGATTGCATCTTCAACAGATCCTTGGTTAGGATCAAT-3'
Protein context (NP_000384.2, residues 1323-1343): AIKVYCNMET[Gly1333Arg]ETCISANPSS